The following is an entry in ClinVar:

NM_003482.4(KMT2D):c.7556T>C (p.Val2519Ala)

Gene: KMT2D (lysine methyltransferase 2D; minus strand). Cytogenetic location: 12q13.12.
Variant type: single nucleotide variant.
Coding change: c.7556T>C on transcript NM_003482.4 (MANE Select); coding-DNA position 7556, T replaced by C.
Protein change: p.Val2519Ala; replaces valine 2519 with alanine.
Molecular consequence: missense variant.
Genome position (GRCh38, 1-based): chr12:49,040,214, A>G on the plus strand (T>C on the coding strand, the complement: KMT2D is on the minus strand). VCF-style: chr12-49040214-A-G. GRCh37 (hg19) VCF-style: chr12-49433997-A-G.
Other names: short protein forms V2519A.
Identifiers: ClinVar variation 2075750 (VCV002075750.4), dbSNP rs2120524338, ClinGen allele CA384747467.

ClinVar aggregate classification (germline): Uncertain significance (1 of 4 stars; one submission).

Conditions:
Kabuki syndrome. Also called: Kabuki make-up syndrome; NIIKAWA-KUROKI SYNDROME. Identifiers: Orphanet 2322, MedGen C0796004, MONDO:0016512.

Submission:

Labcorp Genetics (formerly Invitae), Labcorp
Classification: Uncertain significance for Kabuki syndrome. Last evaluated: 2022-11-28. Review status: criteria provided, single submitter. Criteria: Invitae Variant Classification Sherloc (09022015). Collection method: clinical testing. Allele origin: germline.
Comment: This sequence change replaces valine, which is neutral and non-polar, with alanine, which is neutral and non-polar, at codon 2519 of the KMT2D protein (p.Val2519Ala). This variant is not present in population databases (gnomAD no frequency). This variant has not been reported in the literature in individuals affected with KMT2D-related conditions. Advanced modeling of protein sequence and biophysical properties (such as structural, functional, and spatial information, amino acid conservation, physicochemical variation, residue mobility, and thermodynamic stability) performed at Invitae indicates that this missense variant is not expected to disrupt KMT2D protein function. In summary, the available evidence is currently insufficient to determine the role of this variant in disease. Therefore, it has been classified as a Variant of Uncertain Significance.